The following is an entry in ClinVar:

NM_000528.4(MAN2B1):c.293dup (p.Tyr99fs)

Gene: MAN2B1 (mannosidase alpha class 2B member 1; minus strand). Cytogenetic location: 19p13.13.
Variant type: Duplication.
Coding change: c.293dup on transcript NM_000528.4 (MANE Select); coding-DNA position 293, one base duplicated (A; older notation c.293dupA).
Protein change: p.Tyr99fs; shifts the reading frame from tyrosine 99.
Molecular consequence: frameshift variant.
Genome position (GRCh38, 1-based): chr19:12,665,495, T duplicated on the plus strand (A on the coding strand, the reverse complement: MAN2B1 is on the minus strand). VCF-style (leftmost placement, unchanged base first): chr19-12665494-C-CT. GRCh37 (hg19) VCF-style: chr19-12776308-C-CT.
Other names: c.293dup, p.Tyr99fs (NM_001173498.2); c.293dupA (NM_000528.3); short protein forms Y99fs.
Identifiers: ClinVar variation 1070420 (VCV001070420.15), dbSNP rs1735642901, ClinGen allele CA993651285.

ClinVar aggregate classification (germline): Pathogenic. Review status: criteria provided, multiple submitters, no conflicts (2 of 4 stars). 3 submissions from 3 submitters: Pathogenic (3). Last evaluated 2025-05-14.

Conditions:
Deficiency of alpha-mannosidase (MANSA). Also called: LYSOSOMAL ALPHA-D-MANNOSIDASE DEFICIENCY; Alpha-Mannosidosis; Mannosidosis, alpha-, types I and II. Identifiers: Orphanet 61, MedGen C0024748, MONDO:0009561, OMIM 248500.

Allele frequency attached by ClinVar (database versions not stated): gnomAD exomes below 0.00001.

Submissions (3):

Natera, Inc.
Classification: Pathogenic for Alpha-mannosidosis. Last evaluated: 2025-05-14. Review status: criteria provided, single submitter. Criteria: Natera Variant Classification Schema (03/2026). Collection method: clinical testing. Allele origin: germline.
Comment: The c.293dupA variant in MAN2B1 is a frameshift variant predicted to shift the reading frame beginning at codon 99 and leads to a stop codon 62 codons downstream. This variant is expected to result in nonsense mediated decay, truncation, or a dysfunctional protein product. This variant is rare in the general population with a frequency below the threshold expected for the associated phenotype(s). This variant has been observed in one or more individuals affected with the associated recessive disease, as either homozygous or compound heterozygous with a second variant (PMID: 15712269). Given the available evidence, this variant is classified as Pathogenic.

Women's Health and Genetics/Laboratory Corporation of America, LabCorp
Classification: Pathogenic for Deficiency of alpha-mannosidase. Last evaluated: 2023-05-16. Review status: criteria provided, single submitter. Criteria: LabCorp Variant Classification Summary - May 2015. Collection method: clinical testing. Allele origin: germline.
Comment: Variant summary: MAN2B1 c.293dupA (p.Tyr99ValfsX62) results in a premature termination codon, predicted to cause a truncation of the encoded protein or absence of the protein due to nonsense mediated decay, which are commonly known mechanisms for disease. The variant was absent in 251434 control chromosomes. c.293dupA has been reported in the literature in multiple individuals affected with Alpha-Mannosidosis (Sbarafli_2005, Riise Stensland_2012). These data indicate that the variant is very likely to be associated with disease. The following publications have been ascertained in the context of this evaluation (PMID: 15712269, 22161967). Two clinical diagnostic laboratories have submitted clinical-significance assessments for this variant to ClinVar after 2014, and classified the variant as pathogenic. Based on the evidence outlined above, the variant was classified as pathogenic.

Labcorp Genetics (formerly Invitae), Labcorp
Classification: Pathogenic for Deficiency of alpha-mannosidase. Last evaluated: 2022-09-03. Review status: criteria provided, single submitter. Criteria: Invitae Variant Classification Sherloc (09022015). Collection method: clinical testing. Allele origin: germline.
Comment: For these reasons, this variant has been classified as Pathogenic. Algorithms developed to predict the effect of sequence changes on RNA splicing suggest that this variant may create or strengthen a splice site. ClinVar contains an entry for this variant (Variation ID: 1070420). This premature translational stop signal has been observed in individual(s) with alpha-mannosidosis (PMID: 15712269, 22161967). This variant is not present in population databases (gnomAD no frequency). This sequence change creates a premature translational stop signal (p.Tyr99Valfs*62) in the MAN2B1 gene. It is expected to result in an absent or disrupted protein product. Loss-of-function variants in MAN2B1 are known to be pathogenic (PMID: 9915946, 22161967).

Literature cited by the submitters: PubMed 15712269 (cited by 3 submitters); PubMed 22161967 (cited by Women's Health and Genetics/Laboratory Corporation of America, LabCorp and Labcorp Genetics (formerly Invitae), Labcorp); PubMed 9915946 (cited by Labcorp Genetics (formerly Invitae), Labcorp).